The following is an entry in ClinVar:

NM_000051.4(ATM):c.9008A>T (p.Asn3003Ile)

Genes: ATM (ATM serine/threonine kinase; plus strand), C11orf65 (chromosome 11 open reading frame 65; minus strand). Cytogenetic location: 11q22.3.
Variant type: single nucleotide variant.
Coding change: c.9008A>T on transcript NM_000051.4 (MANE Select); coding-DNA position 9008, A replaced by T.
Protein change: p.Asn3003Ile; replaces asparagine 3003 with isoleucine.
Molecular consequence: missense variant. On other transcripts: intron variant (2).
Genome position (GRCh38, 1-based): chr11:108,365,345, A>T. VCF-style: chr11-108365345-A-T. GRCh37 (hg19) VCF-style: chr11-108236072-A-T.
Other names: c.9008A>T, p.Asn3003Ile (NM_001351834.2); c.640+20575T>A (NM_001330368.2); c.694+20575T>A (NM_001351110.2); short protein forms N3003I.
Identifiers: ClinVar variation 2910292 (VCV002910292.3), dbSNP rs144636562, ClinGen allele CA382530952.

ClinVar aggregate classification (germline): Uncertain significance (1 of 4 stars; one submission).

Conditions:
Ataxia-telangiectasia syndrome (AT). Also called: ATAXIA-TELANGIECTASIA, COMPLEMENTATION GROUP A; ATAXIA-TELANGIECTASIA, FRESNO VARIANT; Ataxia-telangiectasia; Ataxia-telangiectasia, complementation group E; LOUIS-BAR SYNDROME; Cerebello-oculocutaneous telangiectasia. Identifiers: Orphanet 100, MedGen C0004135, MONDO:0008840, OMIM 208900.

Submission:

Labcorp Genetics (formerly Invitae), Labcorp
Classification: Uncertain significance for Ataxia-telangiectasia syndrome. Last evaluated: 2023-07-14. Review status: criteria provided, single submitter. Criteria: Invitae Variant Classification Sherloc (09022015). Collection method: clinical testing. Allele origin: germline.
Comment: In summary, the available evidence is currently insufficient to determine the role of this variant in disease. Therefore, it has been classified as a Variant of Uncertain Significance. An algorithm developed to predict the effect of missense changes on protein structure and function (PolyPhen-2) suggests that this variant is likely to be disruptive. This missense change has been observed in individual(s) with breast cancer (PMID: 30303537). This variant is not present in population databases (gnomAD no frequency). This sequence change replaces asparagine, which is neutral and polar, with isoleucine, which is neutral and non-polar, at codon 3003 of the ATM protein (p.Asn3003Ile).

Literature cited by the submitters: PubMed 30303537.